The following is an entry in ClinVar:

ClinVar aggregate classification (germline): Uncertain significance. Review status: criteria provided, multiple submitters, no conflicts (2 of 4 stars). 3 submissions from 3 submitters: Uncertain significance (3). Last evaluated 2022-01-21.

Conditions:
Aortic aneurysm, familial thoracic 7 (AAT7). Also called: AORTIC DISSECTION, FAMILIAL, WITH OR WITHOUT AORTIC ANEURYSM. Identifiers: MedGen C3151077, MONDO:0013418, OMIM 613780.
Megacystis-microcolon-intestinal hypoperistalsis syndrome 1. Identifiers: MedGen C5542316, MONDO:0100354, OMIM 249210.

Allele frequency attached by ClinVar (database versions not stated): gnomAD exomes below 0.00001 and 0.00001; ExAC 0.00001.
gnomAD v4.1: 10 of 1,614,132 alleles (0.00062%); highest among the groups gnomAD compares: Non-Finnish European, 0.00085%; no homozygotes.

Submissions (3):

Labcorp Genetics (formerly Invitae), Labcorp
Classification: Uncertain significance for Aortic aneurysm, familial thoracic 7. Last evaluated: 2022-01-21. Review status: criteria provided, single submitter. Criteria: Invitae Variant Classification Sherloc (09022015). Collection method: clinical testing. Allele origin: germline.
Comment: In summary, the available evidence is currently insufficient to determine the role of this variant in disease. Therefore, it has been classified as a Variant of Uncertain Significance. ClinVar contains an entry for this variant (Variation ID: 379305). This variant has not been reported in the literature in individuals affected with MYLK-related conditions. This variant is present in population databases (rs768134055, gnomAD 0.0009%). This sequence change creates a premature translational stop signal (p.Gln707*) in the MYLK gene. This variant occurs in the long isoform of MYLK (PMID: 21055718). The current clinical and genetic evidence is not sufficient to establish whether loss-of-function variants in the long isoform of MYLK cause disease.

Fulgent Genetics
Classification: Uncertain significance for Megacystis-microcolon-intestinal hypoperistalsis syndrome 1; Aortic aneurysm, familial thoracic 7. Last evaluated: 2021-08-09. Review status: criteria provided, single submitter. Criteria: ACMG Guidelines, 2015. Collection method: clinical testing. Allele origin: unknown.

GeneDx
Classification: Uncertain significance. Last evaluated: 2020-03-06. Review status: criteria provided, single submitter. Criteria: GeneDx Variant Classification Process June 2021. Collection method: clinical testing. Allele origin: germline. Affected: yes.
Comment: Has not been previously published as pathogenic or benign to our knowledge; Nonsense variant predicted to result in protein truncation or nonsense mediated decay; Not located in the smooth muscle isoform, where the majority of loss-of-function variants associated with autosomal dominant TAAD and autosomal recessive MMIHS have been reported to date (Wang et al., 2010; Stenson et al., 2014); Not observed at a significant frequency in large population cohorts (Lek et al., 2016)

Literature cited by the submitters: PubMed 21055718 (cited by Labcorp Genetics (formerly Invitae), Labcorp).

NM_053025.4(MYLK):c.2119C>T (p.Gln707Ter)

Gene: MYLK (myosin light chain kinase; minus strand). Cytogenetic location: 3q21.1.
Variant type: single nucleotide variant.
Coding change: c.2119C>T on transcript NM_053025.4 (MANE Select); coding-DNA position 2119, C replaced by T.
Protein change: p.Gln707Ter; replaces glutamine 707 with a stop codon.
Molecular consequence: nonsense.
Genome position (GRCh38, 1-based): chr3:123,708,719, G>A on the plus strand (C>T on the coding strand, the complement: MYLK is on the minus strand). VCF-style: chr3-123708719-G-A. GRCh37 (hg19) VCF-style: chr3-123427566-G-A.
Other names: c.1591C>T, p.Gln531Ter (NM_001321309.2); c.1912C>T, p.Gln638Ter (NM_053026.4, NM_053028.4); c.2119C>T, p.Gln707Ter (NM_053027.4); short protein forms Q707*, Q531*, Q638*.
Identifiers: ClinVar variation 379305 (VCV000379305.11), dbSNP rs768134055, ClinGen allele CA068101.